The following is an entry in ClinVar:

ClinVar aggregate classification (germline): Likely pathogenic (1 of 4 stars; one submission).

Submission:

GeneDx
Classification: Likely pathogenic. Last evaluated: 2017-06-16. Review status: criteria provided, single submitter. Criteria: GeneDx Variant Classification (06012015). Collection method: clinical testing. Allele origin: germline. Affected: yes.
Comment: The Q133X nonsense variant in the ADCK3 gene is predicted to cause loss of normal protein function either through protein truncation or nonsense-mediated mRNA decay. The Q133X variant is not observed in large population cohorts (Lek et al., 2016; 1000 Genomes Consortium et al., 2015; Exome Variant Server). Although this variant has not been reported previously to our knowledge, it is interpreted to be a likely pathogenic variant.

NM_020247.5(COQ8A):c.397C>T (p.Gln133Ter)

Gene: COQ8A (coenzyme Q8A; plus strand). Cytogenetic location: 1q42.13.
Variant type: single nucleotide variant.
Coding change: c.397C>T on transcript NM_020247.5 (MANE Select); coding-DNA position 397, C replaced by T.
Protein change: p.Gln133Ter; replaces glutamine 133 with a stop codon.
Molecular consequence: nonsense.
Genome position (GRCh38, 1-based): chr1:226,965,219, C>T. VCF-style: chr1-226965219-C-T. GRCh37 (hg19) VCF-style: chr1-227152920-C-T.
Other names: short protein forms Q133*.
Identifiers: ClinVar variation 449990 (VCV000449990.2), dbSNP rs1553276966, ClinGen allele CA345050269.
Genomic context (GRCh38, chr1:226,965,219, plus strand): 5'-GAGGGCCCAGCTCCTGCCTACGTGGCCAGTGGACCCTTTAGAGAAGCCGGGTTCCCCGGC[C>T]AGGCCTCCTCCCCTCTGGGCAGGGCCAACGGGAGGCTCTTTGCAAACCCCAGAGACTCAT-3'